The following is an entry in ClinVar:

NM_006031.6(PCNT):c.6918T>C (p.Ala2306=)

Gene: PCNT (pericentrin; plus strand). Cytogenetic location: 21q22.3.
Variant type: single nucleotide variant.
Coding change: c.6918T>C on transcript NM_006031.6 (MANE Select); coding-DNA position 6918, T replaced by C.
Protein change: p.Ala2306=; no amino-acid change (alanine 2306 retained).
Molecular consequence: synonymous variant.
Genome position (GRCh38, 1-based): chr21:46,416,836, T>C. VCF-style: chr21-46416836-T-C. GRCh37 (hg19) VCF-style: chr21-47836750-T-C.
Other names: c.6564T>C, p.Ala2188= (NM_001315529.2).
Identifiers: ClinVar variation 159643 (VCV000159643.20), dbSNP rs61738290, ClinGen allele CA173063.
Genomic context (GRCh38, chr21:46,416,836, plus strand): 5'-GCTGGCACTGCAGTGGGCCGAGTCTCCGCCGGCTGACGACCACCATGTGCAGAGGACGGC[T>C]GTGGTAGGTGCCTGCTCTGCTCCCAGGCCTGCTGTTCCCGTGGGAATGTGGTCTGCCCGG-3'
Protein context (NP_006022.3, residues 2296-2316): PADDHHVQRT[Ala2306=]VEKDVEDFIT

ClinVar aggregate classification (germline): Benign/Likely benign. Review status: criteria provided, multiple submitters, no conflicts (2 of 4 stars). 6 submissions from 6 submitters: Benign (5); Likely benign (1). Last evaluated 2026-02-02.

Conditions:
Microcephalic osteodysplastic primordial dwarfism type II (MOPD2). Also called: MOPD II; OSTEODYSPLASTIC PRIMORDIAL DWARFISM, TYPE II; Microcephalic osteodysplastic primordial dwarfism with tooth abnormalities. Identifiers: Orphanet 2637, MedGen C0432246, MONDO:0008872, OMIM 210720.

Allele frequency attached by ClinVar (database versions not stated): 1000 Genomes Project 0.02276; 1000 Genomes Project 30x 0.02389; gnomAD 0.03466 and 0.03522; ExAC 0.03649; ESP Exome Variant Server 0.03665; gnomAD exomes 0.03791 and 0.04160; TOPMed 0.03842.

Submissions (6):

Labcorp Genetics (formerly Invitae), Labcorp
Classification: Benign. Last evaluated: 2026-02-02. Review status: criteria provided, single submitter. Criteria: Invitae Variant Classification Sherloc (09022015). Collection method: clinical testing. Allele origin: germline.

Blueprint Genetics
Classification: Likely benign. Last evaluated: 2024-11-28. Review status: criteria provided, single submitter. Criteria: ACMG Guidelines, 2015. Collection method: clinical testing. Allele origin: germline.

Illumina Laboratory Services, Illumina
Classification: Benign for Microcephalic osteodysplastic primordial dwarfism type II. Last evaluated: 2018-01-13. Review status: criteria provided, single submitter. Criteria: ICSL Variant Classification Criteria 13 December 2019. Collection method: clinical testing. Allele origin: germline.
Comment: This variant was observed in the ICSL laboratory as part of a predisposition screen in an ostensibly healthy population. It had not been previously curated by ICSL or reported in the Human Gene Mutation Database (HGMD: prior to June 1st, 2018), and was therefore a candidate for classification through an automated scoring system. Utilizing variant allele frequency, disease prevalence and penetrance estimates, and inheritance mode, an automated score was calculated to assess if this variant is too frequent to cause the disease. Based on the score and internal cut-off values, a variant classified as benign is not then subjected to further curation. The score for this variant resulted in a classification of benign for this disease.

GeneDx
Classification: Benign. Last evaluated: 2015-03-03. Review status: criteria provided, single submitter. Criteria: GeneDx Variant Classification Process June 2021. Collection method: clinical testing. Allele origin: germline. Affected: yes.

Genetic Services Laboratory, University of Chicago
Classification: Benign. Last evaluated: 2013-02-08. Review status: criteria provided, single submitter. Criteria: ACMG Guidelines, 2007. Collection method: clinical testing. Allele origin: germline. Inheritance: Autosomal recessive inheritance.

Breakthrough Genomics
Classification: Benign. Review status: criteria provided, single submitter. Criteria: ACMG Guidelines, 2015. Collection method: not provided. Allele origin: germline. Inheritance: Autosomal recessive inheritance. Affected: yes.